The following is an entry in ClinVar:

ClinVar aggregate classification (germline): Likely benign. Review status: criteria provided, multiple submitters, no conflicts (2 of 4 stars). 4 submissions from 4 submitters: Likely benign (3). 1 of the submissions does not count toward it. Last evaluated 2025-11-21.

Conditions:
Jeune thoracic dystrophy. Also called: Short-rib thoracic dysplasia; Jeune syndrome; Infantile thoracic dystrophy; Thoracic pelvic phalangeal dystrophy; Jeune's syndrome; Chondroectodermal dysplasia-like syndrome. Identifiers: Orphanet 474, MedGen C0265275, MONDO:0018770.
Nephronophthisis. Also called: Juvenile Nephronophthisis. Identifiers: Orphanet 655, MedGen C0687120, MONDO:0019005, HP:0000090.
Nephronophthisis 12 (NPHP12). Identifiers: Orphanet 655, MedGen C3151186, MONDO:0013442, OMIM 613820.
Asphyxiating thoracic dystrophy 4 (SRTD4). Also called: SHORT-RIB THORACIC DYSPLASIA 4 WITH OR WITHOUT POLYDACTYLY; SHORT-RIB THORACIC DYSPLASIA 4. Identifiers: Orphanet 474, MedGen C3151185, MONDO:0013441, OMIM 613819.
TTC21B-related disorder. Also called: TTC21B-related disorders; TTC21B-related condition.

Allele frequency attached by ClinVar (database versions not stated): ExAC 0.00005; gnomAD exomes 0.00006; TOPMed 0.00006; gnomAD 0.00007; ESP Exome Variant Server 0.00008.
gnomAD v4.1: 195 of 1,592,956 alleles (0.012%); highest among the groups gnomAD compares: Middle Eastern, 0.035%; no homozygotes.

Submissions (4):

Labcorp Genetics (formerly Invitae), Labcorp
Classification: Likely benign for Jeune thoracic dystrophy; Nephronophthisis. Last evaluated: 2025-11-21. Review status: criteria provided, single submitter. Criteria: Invitae Variant Classification Sherloc (09022015). Collection method: clinical testing. Allele origin: germline.

Blueprint Genetics
Classification: Likely benign. Last evaluated: 2024-09-17. Review status: criteria provided, single submitter. Criteria: ACMG Guidelines, 2015. Collection method: clinical testing. Allele origin: germline.

Fulgent Genetics
Classification: Likely benign for Asphyxiating thoracic dystrophy 4; Nephronophthisis 12. Last evaluated: 2021-10-26. Review status: criteria provided, single submitter. Criteria: ACMG Guidelines, 2015. Collection method: clinical testing. Allele origin: unknown.

PreventionGenetics, part of Exact Sciences
Classification: Likely benign for TTC21B-related condition. Last evaluated: 2019-07-24. Review status: no assertion criteria provided. Collection method: clinical testing. Allele origin: germline. Not counted in ClinVar's aggregate classification.
Comment: This variant is classified as likely benign based on ACMG/AMP sequence variant interpretation guidelines (Richards et al. 2015 PMID: 25741868, with internal and published modifications).

NM_024753.5(TTC21B):c.3819A>G (p.Ala1273=)

Gene: TTC21B (tetratricopeptide repeat domain 21B; minus strand). Cytogenetic location: 2q24.3.
Variant type: single nucleotide variant.
Coding change: c.3819A>G on transcript NM_024753.5 (MANE Select); coding-DNA position 3819, A replaced by G.
Protein change: p.Ala1273=; no amino-acid change (alanine 1273 retained).
Molecular consequence: synonymous variant.
Genome position (GRCh38, 1-based): chr2:165,876,219, T>C on the plus strand (A>G on the coding strand, the complement: TTC21B is on the minus strand). VCF-style: chr2-165876219-T-C. GRCh37 (hg19) VCF-style: chr2-166732729-T-C.
Other names: c.3819A>G (NM_024753.4).
Identifiers: ClinVar variation 1563976 (VCV001563976.12), dbSNP rs373891320, ClinGen allele CA1941381.
Genomic context (GRCh38, chr2:165,876,219, plus strand): 5'-GTTTACCTGGTGACATATGTCAATTGAATCCACATATCTTTTTGCTTTTAAGTAATTAAA[T>C]GCCAGTTTGTATCCTGTTAAGACAAAAACCATAAAACAGAATGATGGAGTACACTGCTAC-3'
Protein context (NP_079029.3, residues 1263-1283): RTNPAVGYKL[Ala1273=]FNYLKAKRYV